The following is an entry in ClinVar:

ClinVar aggregate classification (germline): Pathogenic (1 of 4 stars; one submission).

Conditions:
Neurofibromatosis, type 1 (NF1). Also called: Neurofibromatosis, type I; NEUROFIBROMATOSIS, TYPE I, SOMATIC; Peripheral type neurofibromatosis; VON RECKLINGHAUSEN DISEASE. Identifiers: Orphanet 636, MedGen C0027831, MONDO:0018975, OMIM 162200. Disease mechanism: loss of function.

Submission:

Labcorp Genetics (formerly Invitae), Labcorp
Classification: Pathogenic for Neurofibromatosis, type 1. Last evaluated: 2016-12-24. Review status: criteria provided, single submitter. Criteria: Invitae Variant Classification Sherloc (09022015). Collection method: clinical testing. Allele origin: germline.
Comment: For these reasons, this variant has been classified as Pathogenic. While this particular variant has not been reported in the literature, loss-of-function variants in NF1 are known to be pathogenic (PMID: 10712197, 23913538). This sequence change inserts 1 nucleotide in exon 12 of the NF1 mRNA (c.1343dupA), causing a frameshift at codon 448. This creates a premature translational stop signal (p.His448Glnfs*2) and is expected to result in an absent or disrupted protein product.

Literature cited by the submitters: PubMed 10712197; PubMed 23913538.

NM_001042492.3(NF1):c.1343dup (p.His448fs)

Gene: NF1 (neurofibromin 1; plus strand). Cytogenetic location: 17q11.2.
Variant type: Duplication.
Coding change: c.1343dup on transcript NM_001042492.3 (MANE Select); coding-DNA position 1343, one base duplicated (A; older notation c.1343dupA).
Protein change: p.His448fs; shifts the reading frame from histidine 448.
Molecular consequence: frameshift variant.
Genome position (GRCh38, 1-based): chr17:31,206,322, A duplicated. VCF-style (leftmost placement, unchanged base first): chr17-31206321-C-CA. GRCh37 (hg19) VCF-style: chr17-29533339-C-CA.
Other names: c.1343dupA (NM_000267.3); c.1343dup, p.His448Glnfs (NM_000267.4); c.1343dup, p.His448fs (NM_001128147.3); short protein forms H448fs.
Identifiers: ClinVar variation 404616 (VCV000404616.5), dbSNP rs1555611584, ClinGen allele CA16615160.